The following is an entry in ClinVar:

NM_016580.4(PCDH12):c.2933C>A (p.Pro978Gln)

Genes: PCDH12 (protocadherin 12; minus strand), RNF14 (ring finger protein 14; plus strand). Cytogenetic location: 5q31.3.
Variant type: single nucleotide variant.
Coding change: c.2933C>A on transcript NM_016580.4 (MANE Select); coding-DNA position 2933, C replaced by A.
Protein change: p.Pro978Gln; replaces proline 978 with glutamine.
Molecular consequence: missense variant.
Genome position (GRCh38, 1-based): chr5:141,951,538, G>T on the plus strand (C>A on the coding strand, the complement: PCDH12 is on the minus strand). VCF-style: chr5-141951538-G-T. GRCh37 (hg19) VCF-style: chr5-141331103-G-T.
Other names: short protein forms P978Q.
Identifiers: ClinVar variation 2039798 (VCV002039798.4), dbSNP rs200704759, ClinGen allele CA3484098.

ClinVar aggregate classification (germline): Uncertain significance (1 of 4 stars; one submission).

Allele frequency attached by ClinVar (database versions not stated): 1000 Genomes Project 30x 0.00016; 1000 Genomes Project 0.00020; TOPMed 0.00001; gnomAD 0.00002.
gnomAD v4.1: 13 of 1,614,222 alleles (0.00081%); highest among the groups gnomAD compares: Non-Finnish European, 0.001%; no homozygotes.

Submission:

Labcorp Genetics (formerly Invitae), Labcorp
Classification: Uncertain significance. Last evaluated: 2022-08-06. Review status: criteria provided, single submitter. Criteria: Invitae Variant Classification Sherloc (09022015). Collection method: clinical testing. Allele origin: germline.
Comment: In summary, the available evidence is currently insufficient to determine the role of this variant in disease. Therefore, it has been classified as a Variant of Uncertain Significance. Advanced modeling of protein sequence and biophysical properties (such as structural, functional, and spatial information, amino acid conservation, physicochemical variation, residue mobility, and thermodynamic stability) performed at Invitae indicates that this missense variant is not expected to disrupt PCDH12 protein function. This variant has not been reported in the literature in individuals affected with PCDH12-related conditions. This variant is present in population databases (rs200704759, gnomAD 0.003%). This sequence change replaces proline, which is neutral and non-polar, with glutamine, which is neutral and polar, at codon 978 of the PCDH12 protein (p.Pro978Gln).